The following is an entry in ClinVar:

NM_000350.3(ABCA4):c.1933G>T (p.Asp645Tyr)

Gene: ABCA4 (ATP binding cassette subfamily A member 4; minus strand). Cytogenetic location: 1p22.1.
Variant type: single nucleotide variant.
Coding change: c.1933G>T on transcript NM_000350.3 (MANE Select); coding-DNA position 1933, G replaced by T.
Protein change: p.Asp645Tyr; replaces aspartic acid 645 with tyrosine.
Molecular consequence: missense variant.
Genome position (GRCh38, 1-based): chr1:94,062,581, C>A on the plus strand (G>T on the coding strand, the complement: ABCA4 is on the minus strand). VCF-style: chr1-94062581-C-A. GRCh37 (hg19) VCF-style: chr1-94528137-C-A.
Other names: c.1933G>T, p.Asp645Tyr (NM_001425324.1); short protein forms D645Y.
Identifiers: ClinVar variation 1998012 (VCV001998012.7), dbSNP rs61749418, ClinGen allele CA958397.
Genomic context (GRCh38, chr1:94,062,581, plus strand): 5'-CACTCCAGCACCCCCATTAGCGTGTCATGGAGGAGGATCGCGAACTTCAGACTCACGAAT[C>A]GTCCACGAAGCAGGGGTAGGGCATCTGCTGGAGGTAGATTCCAACTGGAGCCTCCGCCTG-3'
Protein context (NP_000341.2, residues 635-655): QQMPYPCFVD[Asp645Tyr]SFMIILNRCF

ClinVar aggregate classification (germline): Pathogenic/Likely pathogenic. Review status: criteria provided, multiple submitters, no conflicts (2 of 4 stars). 4 submissions from 4 submitters: Pathogenic (3); Likely pathogenic (1). Last evaluated 2026-08-01.

Conditions:
ABCA4-related disorder. Also called: ABCA4-related condition; ABCA4-related disorders. Identifiers: MedGen CN239167.
Retinitis pigmentosa (RP). Identifiers: Orphanet 791, MedGen C0035334, MeSH D012174, MONDO:0019200, OMIM 268000. Inheritance: Autosomal dominant, autosomal recessive and X linked inheritance.

Allele frequency attached by ClinVar (database versions not stated): gnomAD 0.00001.
gnomAD v4.1: 25 of 1,501,068 alleles (0.0017%); highest among the groups gnomAD compares: Non-Finnish European, 0.00027%; no homozygotes.

Submissions (4):

CeGaT Center for Human Genetics Tuebingen
Classification: Likely pathogenic. Last evaluated: 2026-08-01. Review status: criteria provided, single submitter. Criteria: CeGaT Center For Human Genetics Tuebingen Variant Classification Criteria Version 2. Collection method: clinical testing. Allele origin: germline. Affected: yes. Observed: 1 variant allele.
Comment: ABCA4: PM3:Strong, PM2, PM5, PP3

Women's Health and Genetics/Laboratory Corporation of America, LabCorp
Classification: Pathogenic for Retinitis pigmentosa. Last evaluated: 2025-06-05. Review status: criteria provided, single submitter. Criteria: LabCorp Variant Classification Summary - May 2015. Collection method: clinical testing. Allele origin: germline.
Comment: Variant summary: ABCA4 c.1933G>T (p.Asp645Tyr) results in a non-conservative amino acid change in the encoded protein sequence. Algorithms developed to predict the effect of missense changes on protein structure and function all suggest that this variant is likely to be disruptive. The variant allele was found at a frequency of 3.2e-05 in 251094 control chromosomes. c.1933G>T has been observed in the presumed compound heterozygous state in multiple individuals affected with Retinitis Pigmentosa or Stargardt disease (example, Schroeder_2018, Panneman_2023, Kadyshev_2023, Hitti-Malin_2023, Labcorp Genetics (formerly Invitae)). These data indicate that the variant is very likely to be associated with disease. A different variant affecting the same codon has been classified as likely pathogenic/pathogenic by our lab (c.1933G>A, p.Asp645Asn), supporting the critical relevance of codon 645 to ABCA4 protein function. To our knowledge, no experimental evidence demonstrating an impact on protein function has been reported. The following publications have been ascertained in the context of this evaluation (PMID: 29386879, 36819107, 38003421, 38540785). ClinVar contains an entry for this variant (Variation ID: 1998012). Based on the evidence outlined above, the variant was classified as pathogenic.

Blueprint Genetics
Classification: Pathogenic for ABCA4-related disorders. Last evaluated: 2022-10-31. Review status: criteria provided, single submitter. Criteria: ACMG Guidelines, 2015. Collection method: clinical testing. Allele origin: germline. Affected: yes. Observed: 5 variant alleles.

Labcorp Genetics (formerly Invitae), Labcorp
Classification: Pathogenic. Last evaluated: 2022-09-19. Review status: criteria provided, single submitter. Criteria: Invitae Variant Classification Sherloc (09022015). Collection method: clinical testing. Allele origin: germline.
Comment: For these reasons, this variant has been classified as Pathogenic. This variant disrupts the p.Asp645 amino acid residue in ABCA4. Other variant(s) that disrupt this residue have been determined to be pathogenic (PMID: 9973280, 28559085, 29975949, 30029497). This suggests that this residue is clinically significant, and that variants that disrupt this residue are likely to be disease-causing. Advanced modeling of protein sequence and biophysical properties (such as structural, functional, and spatial information, amino acid conservation, physicochemical variation, residue mobility, and thermodynamic stability) performed at Invitae indicates that this missense variant is expected to disrupt ABCA4 protein function. This missense change has been observed in individual(s) with Stargardt disease (Invitae). This variant is present in population databases (rs61749418, gnomAD 0.03%). This sequence change replaces aspartic acid, which is acidic and polar, with tyrosine, which is neutral and polar, at codon 645 of the ABCA4 protein (p.Asp645Tyr).

Literature cited by the submitters: PubMed 36819107 (cited by Women's Health and Genetics/Laboratory Corporation of America, LabCorp); PubMed 38540785 (cited by Women's Health and Genetics/Laboratory Corporation of America, LabCorp); PubMed 38003421 (cited by Women's Health and Genetics/Laboratory Corporation of America, LabCorp); PubMed 29386879 (cited by Women's Health and Genetics/Laboratory Corporation of America, LabCorp); PubMed 9973280 (cited by Labcorp Genetics (formerly Invitae), Labcorp); PubMed 28559085 (cited by Labcorp Genetics (formerly Invitae), Labcorp); PubMed 29975949 (cited by Labcorp Genetics (formerly Invitae), Labcorp); PubMed 30029497 (cited by Labcorp Genetics (formerly Invitae), Labcorp).